The following is an entry in ClinVar:

ClinVar aggregate classification (germline): Uncertain significance. Review status: criteria provided, multiple submitters, no conflicts (2 of 4 stars). 2 submissions from 2 submitters: Uncertain significance (2). Last evaluated 2024-07-29.

Conditions:
Dyskeratosis congenita, autosomal dominant 6 (DKCA6). Identifiers: Orphanet 3322, MedGen C4225284, MONDO:0014690, OMIM 616553.
Inborn genetic diseases. Identifiers: MedGen C0950123, MeSH D030342.

Allele frequency attached by ClinVar (database versions not stated): gnomAD 0.00001; gnomAD exomes 0.00001 and 0.00002; TOPMed 0.00002.
gnomAD v4.1: 30 of 1,570,272 alleles (0.0019%); highest among the groups gnomAD compares: African/African-American, 0.0027%; no homozygotes.

Submissions (2):

Labcorp Genetics (formerly Invitae), Labcorp
Classification: Uncertain significance for Dyskeratosis congenita, autosomal dominant 6. Last evaluated: 2024-07-29. Review status: criteria provided, single submitter. Criteria: Invitae Variant Classification Sherloc (09022015). Collection method: clinical testing. Allele origin: germline.
Comment: This sequence change replaces proline, which is neutral and non-polar, with leucine, which is neutral and non-polar, at codon 356 of the ACD protein (p.Pro356Leu). This variant is present in population databases (no rsID available, gnomAD 0.007%). This variant has not been reported in the literature in individuals affected with ACD-related conditions. ClinVar contains an entry for this variant (Variation ID: 572998). Advanced modeling of protein sequence and biophysical properties (such as structural, functional, and spatial information, amino acid conservation, physicochemical variation, residue mobility, and thermodynamic stability) performed at Invitae indicates that this missense variant is not expected to disrupt ACD protein function with a negative predictive value of 80%. Algorithms developed to predict the effect of sequence changes on RNA splicing suggest that this variant may disrupt the consensus splice site. In summary, the available evidence is currently insufficient to determine the role of this variant in disease. Therefore, it has been classified as a Variant of Uncertain Significance.

Ambry Genetics
Classification: Uncertain significance for Inborn genetic diseases. Last evaluated: 2024-05-15. Review status: criteria provided, single submitter. Criteria: Ambry Variant Classification Scheme 2023. Collection method: clinical testing. Allele origin: germline.
Comment: The p.P356L variant (also known as c.1067C>T), located in coding exon 9 of the ACD gene, results from a C to T substitution at nucleotide position 1067. The proline at codon 356 is replaced by leucine, an amino acid with similar properties. This amino acid position is conserved. In addition, this alteration is predicted to be tolerated by in silico analysis. Since supporting evidence is limited at this time, the clinical significance of this alteration remains unclear.

NM_001082486.2(ACD):c.809C>T (p.Pro270Leu)

Gene: ACD (ACD shelterin complex subunit and telomerase recruitment factor; minus strand). Cytogenetic location: 16q22.1.
Variant type: single nucleotide variant.
Coding change: c.809C>T on transcript NM_001082486.2 (MANE Select); coding-DNA position 809, C replaced by T.
Protein change: p.Pro270Leu; replaces proline 270 with leucine.
Molecular consequence: missense variant.
Genome position (GRCh38, 1-based): chr16:67,658,575, G>A on the plus strand (C>T on the coding strand, the complement: ACD is on the minus strand). VCF-style: chr16-67658575-G-A. GRCh37 (hg19) VCF-style: chr16-67692478-G-A.
Other names: c.809C>T, p.Pro270Leu (LRG_1237t1); c.800C>T, p.Pro267Leu (NM_022914.3); short protein forms P270L, P267L.
Identifiers: ClinVar variation 572998 (VCV000572998.11), dbSNP rs1035052101, ClinGen allele CA283217546.